The following is an entry in ClinVar:

ClinVar aggregate classification (germline): Uncertain significance (1 of 4 stars; one submission).

Conditions:
Hereditary cancer-predisposing syndrome. Also called: Neoplastic Syndromes, Hereditary; Tumor predisposition; Hereditary Cancer Syndrome; Hereditary neoplastic syndrome. Identifiers: Orphanet 140162, MedGen C0027672, MeSH D009386, MONDO:0015356.

Submission:

Ambry Genetics
Classification: Uncertain significance for Hereditary cancer-predisposing syndrome. Last evaluated: 2025-12-23. Review status: criteria provided, single submitter. Criteria: Ambry Variant Classification Scheme 2023. Collection method: clinical testing. Allele origin: germline.
Comment: The p.G59R variant (also known as c.175G>C), located in coding exon 1 of the GREM1 gene, results from a G to C substitution at nucleotide position 175. The glycine at codon 59 is replaced by arginine, an amino acid with dissimilar properties. This amino acid position is conserved. In addition, this alteration is predicted to be tolerated by in silico analysis. Based on the available evidence, the clinical significance of this variant remains unclear.

NM_013372.7(GREM1):c.175G>C (p.Gly59Arg)

Gene: GREM1 (gremlin 1, DAN family BMP antagonist; plus strand). Cytogenetic location: 15q13.3.
Variant type: single nucleotide variant.
Coding change: c.175G>C on transcript NM_013372.7 (MANE Select); coding-DNA position 175, G replaced by C.
Protein change: p.Gly59Arg; replaces glycine 59 with arginine.
Molecular consequence: missense variant. On other transcripts: intron variant (2).
Genome position (GRCh38, 1-based): chr15:32,730,865, G>C. VCF-style: chr15-32730865-G-C. GRCh37 (hg19) VCF-style: chr15-33023066-G-C.
Other names: c.175G>C, p.Gly59Arg (NM_001368719.1); c.114+61G>C (NM_001191323.2); c.28-63G>C (NM_001191322.2); short protein forms G59R.
Identifiers: ClinVar variation 4843324 (VCV004843324.1).